The following is an entry in ClinVar:

ClinVar aggregate classification (germline): Uncertain significance. Review status: criteria provided, multiple submitters, no conflicts (2 of 4 stars). 2 submissions from 2 submitters: Uncertain significance (2). Last evaluated 2025-10-27.

Conditions:
Hereditary cancer-predisposing syndrome. Also called: Tumor predisposition; Hereditary Cancer Syndrome; Neoplastic Syndromes, Hereditary; Hereditary neoplastic syndrome. Identifiers: Orphanet 140162, MedGen C0027672, MeSH D009386, MONDO:0015356.
Birt-Hogg-Dube syndrome. Also called: Birt Hogg Dubé syndrome. Identifiers: Orphanet 122, MedGen C0346010, MONDO:0800444.

Allele frequency attached by ClinVar (database versions not stated): TOPMed 0.00001.

Submissions (2):

Labcorp Genetics (formerly Invitae), Labcorp
Classification: Uncertain significance for Birt-Hogg-Dube syndrome. Last evaluated: 2025-10-27. Review status: criteria provided, single submitter. Criteria: Invitae Variant Classification Sherloc (09022015). Collection method: clinical testing. Allele origin: germline.
Comment: This sequence change replaces valine, which is neutral and non-polar, with leucine, which is neutral and non-polar, at codon 439 of the FLCN protein (p.Val439Leu). This variant is not present in population databases (gnomAD no frequency). This variant has not been reported in the literature in individuals affected with FLCN-related conditions. ClinVar contains an entry for this variant (Variation ID: 1015222). Invitae Evidence Modeling of protein sequence and biophysical properties (such as structural, functional, and spatial information, amino acid conservation, physicochemical variation, residue mobility, and thermodynamic stability) indicates that this missense variant is not expected to disrupt FLCN protein function with a negative predictive value of 80%. In summary, the available evidence is currently insufficient to determine the role of this variant in disease. Therefore, it has been classified as a Variant of Uncertain Significance.

Ambry Genetics
Classification: Uncertain significance for Hereditary cancer-predisposing syndrome. Last evaluated: 2025-05-27. Review status: criteria provided, single submitter. Criteria: Ambry Variant Classification Scheme 2023. Collection method: clinical testing. Allele origin: germline.
Comment: The p.V439L variant (also known as c.1315G>C), located in coding exon 9 of the FLCN gene, results from a G to C substitution at nucleotide position 1315. The valine at codon 439 is replaced by leucine, an amino acid with highly similar properties. This amino acid position is conserved. In addition, the in silico prediction for this alteration is inconclusive. Based on the available evidence, the clinical significance of this variant remains unclear.

NM_144997.7(FLCN):c.1315G>C (p.Val439Leu)

Gene: FLCN (folliculin; minus strand). Cytogenetic location: 17p11.2.
Variant type: single nucleotide variant.
Coding change: c.1315G>C on transcript NM_144997.7 (MANE Select); coding-DNA position 1315, G replaced by C.
Protein change: p.Val439Leu; replaces valine 439 with leucine.
Molecular consequence: missense variant.
Genome position (GRCh38, 1-based): chr17:17,215,302, C>G on the plus strand (G>C on the coding strand, the complement: FLCN is on the minus strand). VCF-style: chr17-17215302-C-G. GRCh37 (hg19) VCF-style: chr17-17118616-C-G.
Other names: c.1369G>C, p.Val457Leu (NM_001353229.2); c.1315G>C, p.Val439Leu (NM_001353230.2, NM_001353231.2); c.1315G>C (NM_144997.5); short protein forms V439L, V457L.
Identifiers: ClinVar variation 1015222 (VCV001015222.6), dbSNP rs112980409, ClinGen allele CA398531486.
Genomic context (GRCh38, chr17:17,215,302, plus strand): 5'-ACTGGTCATCCTCACACCCCACAGGGTGGAGGGTGGAACGTGCGGCTGCGTGGACCTCCA[C>G]GATGACAGCAAACTCTGTAACAACACAAGGCCCGTGGCTCCTCATCTCCCCCATGCTCCT-3'
Protein context (NP_659434.2, residues 429-449): HVLSSEFAVI[Val439Leu]EVHAAARSTL